The following is an entry in ClinVar:

NM_004260.4(RECQL4):c.2960T>G (p.Phe987Cys)

Gene: RECQL4 (RecQ like helicase 4; minus strand). Cytogenetic location: 8q24.3.
Variant type: single nucleotide variant.
Coding change: c.2960T>G on transcript NM_004260.4 (MANE Select); coding-DNA position 2960, T replaced by G.
Protein change: p.Phe987Cys; replaces phenylalanine 987 with cysteine.
Molecular consequence: missense variant.
Genome position (GRCh38, 1-based): chr8:144,512,487, A>C on the plus strand (T>G on the coding strand, the complement: RECQL4 is on the minus strand). VCF-style: chr8-144512487-A-C. GRCh37 (hg19) VCF-style: chr8-145737870-A-C.
Other names: c.1823T>G, p.Phe608Cys (NM_001413027.1, NM_001413030.1, NM_001413032.1); c.1889T>G, p.Phe630Cys (NM_001413028.1, NM_001413034.1, NM_001413035.1 and 4 more transcripts); c.2609T>G, p.Phe870Cys (NM_001413029.1); c.1691T>G, p.Phe564Cys (NM_001413031.1, NM_001413038.1); c.2828T>G, p.Phe943Cys (NM_001413033.1); c.2960T>G, p.Phe987Cys (NM_001413036.1); c.2666T>G, p.Phe889Cys (NM_001413017.1); c.2762T>G, p.Phe921Cys (NM_001413018.1); and 9 more; short protein forms F620C, F630C, F1012C, F586C, F889C, F921C, F977C, F498C.
Identifiers: ClinVar variation 1987452 (VCV001987452.4), dbSNP rs2130663236, ClinGen allele CA372673143.

ClinVar aggregate classification (germline): Uncertain significance (1 of 4 stars; one submission).

Conditions:
Baller-Gerold syndrome (BGS). Also called: CRANIOSYNOSTOSIS WITH RADIAL DEFECTS. Identifiers: Orphanet 1225, MedGen C0265308, MONDO:0009039, OMIM 218600.

Submission:

Labcorp Genetics (formerly Invitae), Labcorp
Classification: Uncertain significance for Baller-Gerold syndrome. Last evaluated: 2021-12-17. Review status: criteria provided, single submitter. Criteria: Invitae Variant Classification Sherloc (09022015). Collection method: clinical testing. Allele origin: germline.
Comment: In summary, the available evidence is currently insufficient to determine the role of this variant in disease. Therefore, it has been classified as a Variant of Uncertain Significance. Experimental studies and prediction algorithms are not available or were not evaluated, and the functional significance of this variant is currently unknown. This variant has not been reported in the literature in individuals affected with RECQL4-related conditions. This variant is not present in population databases (gnomAD no frequency). This sequence change replaces phenylalanine, which is neutral and non-polar, with cysteine, which is neutral and slightly polar, at codon 987 of the RECQL4 protein (p.Phe987Cys).